The following is an entry in ClinVar:

ClinVar aggregate classification (germline): Uncertain significance (1 of 4 stars; one submission).

Allele frequency attached by ClinVar (database versions not stated): ExAC 0.00001; gnomAD 0.00001; gnomAD exomes 0.00001 and 0.00002.
gnomAD v4.1: 16 of 1,614,064 alleles (0.00099%); highest among the groups gnomAD compares: Admixed American, 0.005%; no homozygotes.

Submission:

Labcorp Genetics (formerly Invitae), Labcorp
Classification: Uncertain significance. Last evaluated: 2023-10-03. Review status: criteria provided, single submitter. Criteria: Invitae Variant Classification Sherloc (09022015). Collection method: clinical testing. Allele origin: germline.
Comment: This sequence change replaces glutamic acid, which is acidic and polar, with lysine, which is basic and polar, at codon 108 of the VCAN protein (p.Glu108Lys). This variant is present in population databases (rs781725797, gnomAD 0.006%). This variant has not been reported in the literature in individuals affected with VCAN-related conditions. ClinVar contains an entry for this variant (Variation ID: 840226). An algorithm developed to predict the effect of missense changes on protein structure and function (PolyPhen-2) suggests that this variant is likely to be disruptive. In summary, the available evidence is currently insufficient to determine the role of this variant in disease. Therefore, it has been classified as a Variant of Uncertain Significance.

NM_004385.5(VCAN):c.322G>A (p.Glu108Lys)

Gene: VCAN (versican; plus strand). Cytogenetic location: 5q14.2.
Variant type: single nucleotide variant.
Coding change: c.322G>A on transcript NM_004385.5 (MANE Select); coding-DNA position 322, G replaced by A.
Protein change: p.Glu108Lys; replaces glutamic acid 108 with lysine.
Molecular consequence: missense variant.
Genome position (GRCh38, 1-based): chr5:83,490,349, G>A. VCF-style: chr5-83490349-G-A. GRCh37 (hg19) VCF-style: chr5-82786168-G-A.
Other names: c.322G>A, p.Glu108Lys (NM_001126336.3, NM_001164097.2, NM_001164098.2); short protein forms E108K.
Identifiers: ClinVar variation 840226 (VCV000840226.7), dbSNP rs781725797, ClinGen allele CA3332423.
Genomic context (GRCh38, chr5:83,490,349, plus strand): 5'-AATGGAAATATCAAGATTGGTCAGGACTACAAAGGGAGAGTGTCTGTGCCCACACATCCC[G>A]AGGCTGTGGGCGATGCCTCCCTCACTGTGGTCAAGCTGCTGGCAAGTGATGCGGGTCTTT-3'
Protein context (NP_004376.2, residues 98-118): KGRVSVPTHP[Glu108Lys]AVGDASLTVV